The following is an entry in ClinVar:

ClinVar aggregate classification (germline): Benign/Likely benign. Review status: criteria provided, multiple submitters, no conflicts (2 of 4 stars). 3 submissions from 3 submitters: Benign (1); Likely benign (2). Last evaluated 2025-05-16.

Conditions:
Hereditary cancer-predisposing syndrome. Also called: Neoplastic Syndromes, Hereditary; Hereditary neoplastic syndrome; Hereditary Cancer Syndrome; Tumor predisposition. Identifiers: Orphanet 140162, MedGen C0027672, MeSH D009386, MONDO:0015356.
Tuberous sclerosis 2 (TSC2). Identifiers: Orphanet 805, MedGen C1860707, MONDO:0013199, OMIM 613254.

Allele frequency attached by ClinVar (database versions not stated): gnomAD exomes below 0.00001 and 0.00001; ExAC 0.00001.
gnomAD v4.1: 8 of 1,605,422 alleles (0.0005%); highest among the groups gnomAD compares: South Asian, 0.0056%; no homozygotes.

Submissions (3):

Myriad Genetics, Inc.
Classification: Benign for Tuberous sclerosis 2. Last evaluated: 2025-05-16. Review status: criteria provided, single submitter. Criteria: Myriad Autosomal Dominant, Autosomal Recessive and X-Linked Classification Criteria (2023). Collection method: clinical testing. Allele origin: unknown.
Comment: This variant is considered benign. This variant is a silent/synonymous amino acid change and it is not expected to impact splicing.

Labcorp Genetics (formerly Invitae), Labcorp
Classification: Likely benign for Tuberous sclerosis 2. Last evaluated: 2025-04-23. Review status: criteria provided, single submitter. Criteria: Invitae Variant Classification Sherloc (09022015). Collection method: clinical testing. Allele origin: germline.

Ambry Genetics
Classification: Likely benign for Hereditary cancer-predisposing syndrome. Last evaluated: 2022-10-20. Review status: criteria provided, single submitter. Criteria: Ambry Variant Classification Scheme 2023. Collection method: clinical testing. Allele origin: germline.

NM_000548.5(TSC2):c.1968G>A (p.Glu656=)

Gene: TSC2 (TSC complex subunit 2; plus strand). Cytogenetic location: 16p13.3.
Variant type: single nucleotide variant.
Coding change: c.1968G>A on transcript NM_000548.5 (MANE Select); coding-DNA position 1968, G replaced by A.
Protein change: p.Glu656=; no amino-acid change (glutamic acid 656 retained).
Molecular consequence: synonymous variant.
Genome position (GRCh38, 1-based): chr16:2,071,805, G>A. VCF-style: chr16-2071805-G-A. GRCh37 (hg19) VCF-style: chr16-2121806-G-A.
Other names: c.1968G>A, p.Glu656= (NM_001077183.3, NM_001114382.3, NM_001363528.2 and 3 more transcripts); c.1857G>A, p.Glu619= (NM_001318827.2); c.1821G>A, p.Glu607= (NM_001318829.2); c.1368G>A, p.Glu456= (NM_001318831.2); c.2001G>A, p.Glu667= (NM_001318832.2).
Identifiers: ClinVar variation 1102740 (VCV001102740.12), dbSNP rs761781650, ClinGen allele CA035310.